The following is an entry in ClinVar:

ClinVar aggregate classification (germline): Uncertain significance (1 of 4 stars; one submission).

Conditions:
Hereditary cancer-predisposing syndrome. Also called: Neoplastic Syndromes, Hereditary; Tumor predisposition; Hereditary neoplastic syndrome; Hereditary Cancer Syndrome. Identifiers: Orphanet 140162, MedGen C0027672, MeSH D009386, MONDO:0015356.

Submission:

Ambry Genetics
Classification: Uncertain significance for Hereditary cancer-predisposing syndrome. Last evaluated: 2023-01-01. Review status: criteria provided, single submitter. Criteria: Ambry Variant Classification Scheme 2023. Collection method: clinical testing. Allele origin: germline.
Comment: The p.S1943Y variant (also known as c.5828C>A), located in coding exon 10 of the BRCA2 gene, results from a C to A substitution at nucleotide position 5828. The serine at codon 1943 is replaced by tyrosine, an amino acid with dissimilar properties. This amino acid position is conserved. In addition, this alteration is predicted to be tolerated by in silico analysis. Since supporting evidence is limited at this time, the clinical significance of this alteration remains unclear.

NM_000059.4(BRCA2):c.5828C>A (p.Ser1943Tyr)

Gene: BRCA2 (BRCA2 DNA repair associated; plus strand). Cytogenetic location: 13q13.1.
Variant type: single nucleotide variant.
Coding change: c.5828C>A on transcript NM_000059.4 (MANE Select); coding-DNA position 5828, C replaced by A.
Protein change: p.Ser1943Tyr; replaces serine 1943 with tyrosine.
Molecular consequence: missense variant. On other transcripts: non-coding transcript variant (1), intron variant (2).
Genome position (GRCh38, 1-based): chr13:32,340,183, C>A. VCF-style: chr13-32340183-C-A. GRCh37 (hg19) VCF-style: chr13-32914320-C-A.
Other names: c.5828C>A, p.Ser1943Tyr (NM_001406719.1, NM_001406720.1); c.1910-4375C>A (NM_001406721.1); c.425-4375C>A (NM_001406722.1); short protein forms S1943Y.
Identifiers: ClinVar variation 2451524 (VCV002451524.2), dbSNP rs2137521410, ClinGen allele CA387787316.